The following is an entry in ClinVar:

ClinVar aggregate classification (germline): Benign/Likely benign. Review status: criteria provided, multiple submitters, no conflicts (2 of 4 stars). 7 submissions from 7 submitters: Benign (2); Likely benign (5). Last evaluated 2026-05-28.

Conditions:
SACS-related disorder. Also called: SACS-related condition.
Spastic paraplegia. Identifiers: MedGen C0037772, HP:0001258.
Hereditary spastic paraplegia. Also called: Familial spastic paraparesis. Identifiers: Orphanet 685, MedGen C0037773, MONDO:0019064. Disease mechanism: loss of function.
Charlevoix-Saguenay spastic ataxia (SACS). Also called: AUTOSOMAL RECESSIVE SPASTIC ATAXIA OF CHARLEVOIX-SAGUENAY; Spastic ataxia of Charlevoix-Saguenay; SPASTIC ATAXIA 6, AUTOSOMAL RECESSIVE. Identifiers: Orphanet 98, MedGen C1849140, MONDO:0010041, OMIM 270550.

Allele frequency attached by ClinVar (database versions not stated): gnomAD exomes 0.00193; ExAC 0.00217; ESP Exome Variant Server 0.00438; gnomAD 0.00719 and 0.00776; TOPMed 0.00768; 1000 Genomes Project 0.00799; 1000 Genomes Project 30x 0.00812.
gnomAD v4.1: 2,154 of 1,613,614 alleles (0.13%); highest among the groups gnomAD compares: African/African-American, 2.5%; 20 homozygotes.

Submissions (7):

PreventionGenetics, part of Exact Sciences
Classification: Benign for SACS-related condition. Last evaluated: 2026-05-28. Review status: criteria provided, single submitter. Criteria: ACMG Guidelines, 2015. Collection method: clinical testing. Allele origin: germline.
Comment: This variant is classified as benign based on ACMG/AMP sequence variant interpretation guidelines (Richards et al. 2015 PMID: 25741868, with internal and published modifications).

Fulgent Genetics
Classification: Likely benign for Charlevoix-Saguenay spastic ataxia. Last evaluated: 2021-10-08. Review status: criteria provided, single submitter. Criteria: ACMG Guidelines, 2015. Collection method: clinical testing. Allele origin: unknown.

Labcorp Genetics (formerly Invitae), Labcorp
Classification: Benign for Spastic paraplegia. Last evaluated: 2019-12-31. Review status: criteria provided, single submitter. Criteria: Invitae Variant Classification Sherloc (09022015). Collection method: clinical testing. Allele origin: germline.

GeneDx
Classification: Likely benign. Last evaluated: 2019-06-19. Review status: criteria provided, single submitter. Criteria: GeneDx Variant Classification Process June 2021. Collection method: clinical testing. Allele origin: germline. Affected: yes.

Illumina Laboratory Services, Illumina
Classification: Likely benign for Charlevoix-Saguenay spastic ataxia. Last evaluated: 2017-10-02. Review status: criteria provided, single submitter. Criteria: ICSL Variant Classification Criteria 13 December 2019. Collection method: clinical testing. Allele origin: germline.
Comment: This variant was observed as part of a predisposition screen in an ostensibly healthy population. A literature search was performed for the gene, cDNA change, and amino acid change (where applicable). No publications were found based on this search. Allele frequency data from public databases allowed determination this variant is unlikely to cause disease. Therefore, this variant is classified as likely benign.

Genome Diagnostics Laboratory, The Hospital for Sick Children
Classification: Likely benign for Hereditary spastic paraplegia. Last evaluated: 2016-12-12. Review status: criteria provided, single submitter. Criteria: ACMG Guidelines, 2015. Collection method: clinical testing. Allele origin: germline. Affected: yes.

Breakthrough Genomics
Classification: Likely benign. Review status: criteria provided, single submitter. Criteria: ACMG Guidelines, 2015. Collection method: not provided. Allele origin: germline. Inheritance: Autosomal recessive inheritance. Affected: yes.

NM_014363.6(SACS):c.8345C>T (p.Ala2782Val)

Gene: SACS (sacsin molecular chaperone; minus strand). Cytogenetic location: 13q12.12.
Variant type: single nucleotide variant.
Coding change: c.8345C>T on transcript NM_014363.6 (MANE Select); coding-DNA position 8345, C replaced by T.
Protein change: p.Ala2782Val; replaces alanine 2782 with valine.
Molecular consequence: missense variant.
Genome position (GRCh38, 1-based): chr13:23,335,531, G>A on the plus strand (C>T on the coding strand, the complement: SACS is on the minus strand). VCF-style: chr13-23335531-G-A. GRCh37 (hg19) VCF-style: chr13-23909670-G-A.
Other names: c.7904C>T, p.Ala2635Val (NM_001278055.2); short protein forms A2782V, A2635V.
Identifiers: ClinVar variation 260400 (VCV000260400.18), dbSNP rs61742500, ClinGen allele CA6910777.